The following is an entry in ClinVar:

NM_016529.6(ATP8A2):c.2818A>G (p.Met940Val)

Gene: ATP8A2 (ATPase phospholipid transporting 8A2). Cytogenetic location: 13q12.13.
Variant type: single nucleotide variant.
Coding change: c.2818A>G on transcript NM_016529.6 (MANE Select); coding-DNA position 2818, A replaced by G.
Protein change: p.Met940Val; replaces methionine 940 with valine.
Molecular consequence: missense variant.
Genome position (GRCh38, 1-based): chr13:25,837,226, A>G. VCF-style: chr13-25837226-A-G. GRCh37 (hg19) VCF-style: chr13-26411364-A-G.
Other names: c.2623A>G, p.Met875Val (NM_001313741.1); c.2743A>G, p.Met915Val (NM_001411005.1); c.2818A>G, p.Met940Val (NM_001411006.1); short protein forms M875V, M915V, M940V.
Identifiers: ClinVar variation 2427879 (VCV002427879.6), dbSNP rs371095109, ClinGen allele CA6923458.

ClinVar aggregate classification (germline): Uncertain significance (1 of 4 stars; one submission).

Allele frequency attached by ClinVar (database versions not stated): ExAC 0.00001; ESP Exome Variant Server 0.00008.
gnomAD v4.1: 65 of 1,613,992 alleles (0.004%); highest among the groups gnomAD compares: Non-Finnish European, 0.0053%; no homozygotes.

Submission:

Labcorp Genetics (formerly Invitae), Labcorp
Classification: Uncertain significance. Last evaluated: 2022-03-01. Review status: criteria provided, single submitter. Criteria: Invitae Variant Classification Sherloc (09022015). Collection method: clinical testing. Allele origin: germline.
Comment: Algorithms developed to predict the effect of missense changes on protein structure and function (SIFT, PolyPhen-2, Align-GVGD) all suggest that this variant is likely to be tolerated. In summary, the available evidence is currently insufficient to determine the role of this variant in disease. Therefore, it has been classified as a Variant of Uncertain Significance. This sequence change replaces methionine, which is neutral and non-polar, with valine, which is neutral and non-polar, at codon 940 of the ATP8A2 protein (p.Met940Val). This variant is present in population databases (rs371095109, gnomAD 0.005%). This variant has not been reported in the literature in individuals affected with ATP8A2-related conditions.